The following is an entry in ClinVar:

ClinVar aggregate classification (germline): Pathogenic/Likely pathogenic. Review status: criteria provided, multiple submitters, no conflicts (2 of 4 stars). 8 submissions from 8 submitters: Pathogenic (2); Likely pathogenic (5). 1 of the submissions does not count toward it. Last evaluated 2026-05-14.

Conditions:
Citrullinemia. Identifiers: Orphanet 187, MedGen C0175683, MONDO:0015991.
Citrullinemia type I (CTNL1). Also called: ASS DEFICIENCY; argininosuccinate synthetase deficiency. Identifiers: Orphanet 247525, MedGen C4721769, MONDO:0008988, OMIM 215700.

Allele frequency attached by ClinVar (database versions not stated): gnomAD 0.00001; gnomAD exomes 0.00003 and 0.00002; TOPMed 0.00001; ExAC 0.00004.
gnomAD v4.1: 26 of 1,614,062 alleles (0.0016%); highest among the groups gnomAD compares: Admixed American, 0.0067%; no homozygotes.

Submissions (8):

GeneDx
Classification: Likely pathogenic. Last evaluated: 2026-05-14. Review status: criteria provided, single submitter. Criteria: GeneDx Variant Classification Process June 2021. Collection method: clinical testing. Allele origin: germline.
Comment: Not observed at significant frequency in large population cohorts (gnomAD); In silico analysis supports that this missense variant has a deleterious effect on protein structure/function; This variant is associated with the following publications: (PMID: 34426522, 2358466, 14680976, 28111830, 23246278, 19006241, 27287393, 39519275)

Labcorp Genetics (formerly Invitae), Labcorp
Classification: Pathogenic for Citrullinemia. Last evaluated: 2026-01-11. Review status: criteria provided, single submitter. Criteria: Invitae Variant Classification Sherloc (09022015). Collection method: clinical testing. Allele origin: germline.
Comment: This sequence change replaces glycine, which is neutral and non-polar, with serine, which is neutral and polar, at codon 14 of the ASS1 protein (p.Gly14Ser). This variant is present in population databases (rs121908636, gnomAD 0.01%). This missense change has been observed in individual(s) with citrullinemia type I (PMID: 2358466, 14680976, 23246278, 27287393, 28111830). ClinVar contains an entry for this variant (Variation ID: 6324). Invitae Evidence Modeling of protein sequence and biophysical properties (such as structural, functional, and spatial information, amino acid conservation, physicochemical variation, residue mobility, and thermodynamic stability) indicates that this missense variant is expected to disrupt ASS1 protein function with a positive predictive value of 80%. For these reasons, this variant has been classified as Pathogenic.

Natera, Inc.
Classification: Likely pathogenic for Citrullinemia type I. Last evaluated: 2025-12-04. Review status: criteria provided, single submitter. Criteria: Natera Variant Classification Schema (03/2026). Collection method: clinical testing. Allele origin: germline.
Comment: The c.40G>A variant in ASS1 is a missense variant predicted to cause substitution of glycine to serine at amino acid 14. This variant is rare in the general population with a frequency below the threshold expected for the associated phenotype(s). This variant has been observed in one or more individuals affected with the associated recessive disease, as either homozygous or compound heterozygous with a second variant (PMID: 39519275, 37603033, 28111830, 27287393, 23246278, 14680976, 2358466). Computational prediction algorithms indicate this variant is likely to affect gene or protein function. Given the available evidence, this variant is classified as Likely Pathogenic.

3billion
Classification: Likely pathogenic for Citrullinemia type I. Last evaluated: 2023-07-25. Review status: criteria provided, single submitter. Criteria: ACMG Guidelines, 2015. Collection method: clinical testing. Allele origin: germline. Affected: yes.
Comment: The variant is observed at an extremely low frequency in the gnomAD v2.1.1 dataset (total allele frequency: 0.003%). Predicted Consequence/Location: Missense variant In silico tool predictions suggest damaging effect of the variant on gene or gene product (REVEL: 0.97; 3Cnet: 0.49). Same nucleotide change resulting in same amino acid change has been previously reported as pathogenic/likely pathogenic with strong evidence (ClinVar ID: VCV000006324 /PMID: 2358466). Therefore, this variant is classified as Likely pathogenic according to the recommendation of ACMG/AMP guideline.

Women's Health and Genetics/Laboratory Corporation of America, LabCorp
Classification: Pathogenic for Citrullinemia. Last evaluated: 2023-04-18. Review status: criteria provided, single submitter. Criteria: LabCorp Variant Classification Summary - May 2015. Collection method: clinical testing. Allele origin: germline.
Comment: Variant summary: ASS1 c.40G>A (p.Gly14Ser) results in a non-conservative amino acid change in the encoded protein sequence. Five of five in-silico tools predict a damaging effect of the variant on protein function. The variant allele was found at a frequency of 2.8e-05 in 251146 control chromosomes (gnomAD). c.40G>A has been reported in the literature in multiple individuals affected with Citrullinemia Type I (Kobayashi_1990, Haberle_2003, Lee_2013, Diez-Fernandez_2016, Diez-Fernandez_2017). These data indicate that the variant is very likely to be associated with disease. Four clinical diagnostic laboratories have submitted clinical-significance assessments for this variant to ClinVar after 2014 and classified the variant as pathogenic/likely pathogenic. Based on the evidence outlined above, the variant was classified as pathogenic.

New York Genome Center
Classification: Likely pathogenic for Citrullinemia type I. Last evaluated: 2021-08-06. Review status: criteria provided, single submitter. Criteria: NYGC Assertion Criteria 2020. Collection method: clinical testing. Allele origin: inherited. Observed: 1 heterozygote. Study: CSER-NYCKidSeq.

Genomic Research Center, Shahid Beheshti University of Medical Sciences
Classification: Likely pathogenic for Citrullinemia type I. Last evaluated: 2018-08-07. Review status: criteria provided, single submitter. Criteria: ACMG Guidelines, 2015. Collection method: clinical testing. Allele origin: inherited. Affected: no. Observed: 1 variant allele.

OMIM
Classification: Pathogenic for CITRULLINEMIA, CLASSIC. Last evaluated: 2013-04-04. Review status: no assertion criteria provided. Collection method: literature only. Allele origin: germline. Not counted in ClinVar's aggregate classification.

Literature cited by the submitters: PubMed 2358466 (cited by 4 submitters); PubMed 14680976 (cited by 3 submitters); PubMed 23246278 (cited by 3 submitters); PubMed 27287393 (cited by 3 submitters); PubMed 28111830 (cited by 3 submitters); PubMed 39519275 (cited by Natera, Inc.); PubMed 37603033 (cited by Natera, Inc.); Kobayashi, K., Jackson, M. J., Tick, D. B., O'Brien, W. E., Beaudet, A. L. Characterization of nine mutant alleles causing citrullinemia. (Abstract) Am. J. Hum. Genet. 45 (suppl.): A201-only, 1989. (cited by OMIM).

NM_054012.4(ASS1):c.40G>A (p.Gly14Ser)

Gene: ASS1 (argininosuccinate synthase 1; plus strand). Cytogenetic location: 9q34.11.
Variant type: single nucleotide variant.
Coding change: c.40G>A on transcript NM_054012.4 (MANE Select); coding-DNA position 40, G replaced by A.
Protein change: p.Gly14Ser; replaces glycine 14 with serine.
Molecular consequence: missense variant.
Genome position (GRCh38, 1-based): chr9:130,452,268, G>A. VCF-style: chr9-130452268-G-A. GRCh37 (hg19) VCF-style: chr9-133327655-G-A.
Other names: c.40G>A, p.Gly14Ser (NM_000050.4); c.40G>A (NM_054012.3); short protein forms G14S.
Identifiers: ClinVar variation 6324 (VCV000006324.27), dbSNP rs121908636, ClinGen allele CA253829.